The following is an entry in ClinVar:

ClinVar aggregate classification (germline): Uncertain significance. Review status: criteria provided, multiple submitters, no conflicts (2 of 4 stars). 2 submissions from 2 submitters: Uncertain significance (2). Last evaluated 2025-06-18.

Conditions:
Inborn genetic diseases. Identifiers: MedGen C0950123, MeSH D030342.
Congenital myasthenic syndrome 5. Identifiers: Orphanet 590, MedGen C1864233, MONDO:0011281, OMIM 603034.

gnomAD v4.1: 14 of 1,605,872 alleles (0.00087%); highest among the groups gnomAD compares: Non-Finnish European, 0.0012%; no homozygotes.

Submissions (2):

Ambry Genetics
Classification: Uncertain significance for Inborn genetic diseases. Last evaluated: 2025-06-18. Review status: criteria provided, single submitter. Criteria: Ambry Variant Classification Scheme 2023. Collection method: clinical testing. Allele origin: germline.

Labcorp Genetics (formerly Invitae), Labcorp
Classification: Uncertain significance for Congenital myasthenic syndrome 5. Last evaluated: 2024-09-22. Review status: criteria provided, single submitter. Criteria: Invitae Variant Classification Sherloc (09022015). Collection method: clinical testing. Allele origin: germline.
Comment: This sequence change replaces glycine, which is neutral and non-polar, with valine, which is neutral and non-polar, at codon 147 of the COLQ protein (p.Gly147Val). The frequency data for this variant in the population databases is considered unreliable, as metrics indicate poor data quality at this position in the gnomAD database. This variant has not been reported in the literature in individuals affected with COLQ-related conditions. Invitae Evidence Modeling of protein sequence and biophysical properties (such as structural, functional, and spatial information, amino acid conservation, physicochemical variation, residue mobility, and thermodynamic stability) indicates that this missense variant is not expected to disrupt COLQ protein function with a negative predictive value of 80%. In summary, the available evidence is currently insufficient to determine the role of this variant in disease. Therefore, it has been classified as a Variant of Uncertain Significance.

NM_005677.4(COLQ):c.440G>T (p.Gly147Val)

Gene: COLQ (collagen like tail subunit of asymmetric acetylcholinesterase; minus strand). Cytogenetic location: 3p25.1.
Variant type: single nucleotide variant.
Coding change: c.440G>T on transcript NM_005677.4 (MANE Select); coding-DNA position 440, G replaced by T.
Protein change: p.Gly147Val; replaces glycine 147 with valine.
Molecular consequence: missense variant.
Genome position (GRCh38, 1-based): chr3:15,477,151, C>A on the plus strand (G>T on the coding strand, the complement: COLQ is on the minus strand). VCF-style: chr3-15477151-C-A. GRCh37 (hg19) VCF-style: chr3-15518658-C-A.
Other names: c.440G>T (NM_005677.3); c.410G>T, p.Gly137Val (NM_080538.2); c.338G>T, p.Gly113Val (NM_080539.4); short protein forms G113V, G137V, G147V.
Identifiers: ClinVar variation 3614024 (VCV003614024.2).